The following is an entry in ClinVar:

ClinVar aggregate classification (germline): Uncertain significance (1 of 4 stars; one submission).

Submission:

GeneDx
Classification: Uncertain significance. Last evaluated: 2023-05-25. Review status: criteria provided, single submitter. Criteria: GeneDx Variant Classification Process June 2021. Collection method: clinical testing. Allele origin: germline. Affected: yes.
Comment: Not observed at significant frequency in large population cohorts (gnomAD); In silico analysis supports that this missense variant has a deleterious effect on protein structure/function; Has not been previously published as pathogenic or benign to our knowledge; Variants in candidate genes are classified as variants of uncertain significance in accordance with ACMG guidelines (Richards et al., 2015)

NM_001286.5(CLCN6):c.1713C>A (p.Phe571Leu)

Gene: CLCN6 (chloride voltage-gated channel 6; plus strand). Cytogenetic location: 1p36.22.
Variant type: single nucleotide variant.
Coding change: c.1713C>A on transcript NM_001286.5 (MANE Select); coding-DNA position 1713, C replaced by A.
Protein change: p.Phe571Leu; replaces phenylalanine 571 with leucine.
Molecular consequence: missense variant. On other transcripts: non-coding transcript variant (1).
Genome position (GRCh38, 1-based): chr1:11,834,510, C>A. VCF-style: chr1-11834510-C-A. GRCh37 (hg19) VCF-style: chr1-11894567-C-A.
Other names: c.1647C>A, p.Phe549Leu (NM_001256959.2); short protein forms F549L, F571L.
Identifiers: ClinVar variation 3343623 (VCV003343623.1).
Genomic context (GRCh38, chr1:11,834,510, plus strand): 5'-GGACCTATTTTTAGGTCTTTGCTTTGTGTTTCAGGTGGCCAAATGGACAGGGGACTTTTT[C>A]AATAAGGGCATTTATGATATCCACGTGGGCCTGCGAGGCGTGCCGCTTCTGGAATGGGAG-3'
Protein context (NP_001277.2, residues 561-581): LMVAKWTGDF[Phe571Leu]NKGIYDIHVG